The following is an entry in ClinVar:

NM_005618.4(DLL1):c.1723A>G (p.Lys575Glu)

Gene: DLL1 (delta like canonical Notch ligand 1; minus strand). Cytogenetic location: 6q27.
Variant type: single nucleotide variant.
Coding change: c.1723A>G on transcript NM_005618.4 (MANE Select); coding-DNA position 1723, A replaced by G.
Protein change: p.Lys575Glu; replaces lysine 575 with glutamic acid.
Molecular consequence: missense variant.
Genome position (GRCh38, 1-based): chr6:170,283,556, T>C on the plus strand (A>G on the coding strand, the complement: DLL1 is on the minus strand). VCF-style: chr6-170283556-T-C. GRCh37 (hg19) VCF-style: chr6-170592644-T-C.
Other names: short protein forms K575E.
Identifiers: ClinVar variation 1380818 (VCV001380818.6), dbSNP rs2114957980, ClinGen allele CA366506688.
Genomic context (GRCh38, chr6:170,283,556, plus strand): 5'-TGGCCAGGTTGTTCATGGTCTCCGTCTCCCCCCGGCAGGGGTCGGCTGGGGGCCGGTGCT[T>C]CTGCAGCCTCAGCCGGACGCAGACCACCACAGCGGCACAGCCCAGCAGCAGCATGAGGAC-3'
Protein context (NP_005609.3, residues 565-585): VVVCVRLRLQ[Lys575Glu]HRPPADPCRG

ClinVar aggregate classification (germline): Uncertain significance (1 of 4 stars; one submission).

Submission:

Labcorp Genetics (formerly Invitae), Labcorp
Classification: Uncertain significance. Last evaluated: 2021-03-23. Review status: criteria provided, single submitter. Criteria: Invitae Variant Classification Sherloc (09022015). Collection method: clinical testing. Allele origin: germline.
Comment: In summary, the available evidence is currently insufficient to determine the role of this variant in disease. Therefore, it has been classified as a Variant of Uncertain Significance. Algorithms developed to predict the effect of missense changes on protein structure and function (SIFT, PolyPhen-2, Align-GVGD) all suggest that this variant is likely to be tolerated, but these predictions have not been confirmed by published functional studies and their clinical significance is uncertain. This variant is not present in population databases (ExAC no frequency). This variant has not been reported in the literature in individuals with DLL1-related conditions. This sequence change replaces lysine with glutamic acid at codon 575 of the DLL1 protein (p.Lys575Glu). The lysine residue is highly conserved and there is a small physicochemical difference between lysine and glutamic acid.